The following is an entry in ClinVar:

ClinVar aggregate classification (germline): Uncertain significance (1 of 4 stars; one submission).

Conditions:
Catecholaminergic polymorphic ventricular tachycardia 1. Also called: VENTRICULAR TACHYCARDIA, CATECHOLAMINERGIC POLYMORPHIC, 1, WITH OR WITHOUT ATRIAL DYSFUNCTION AND/OR DILATED CARDIOMYOPATHY; RYR2-Related Catecholaminergic Polymorphic Ventricular Tachycardia; VENTRICULAR TACHYCARDIA, STRESS-INDUCED POLYMORPHIC 1. Identifiers: Orphanet 3286, MedGen C1631597, MONDO:0011484, OMIM 604772.

Submission:

Labcorp Genetics (formerly Invitae), Labcorp
Classification: Uncertain significance for Catecholaminergic polymorphic ventricular tachycardia 1. Last evaluated: 2025-12-15. Review status: criteria provided, single submitter. Criteria: Invitae Variant Classification Sherloc (09022015). Collection method: clinical testing. Allele origin: germline.
Comment: This sequence change affects a donor splice site in intron 32 of the RYR2 gene. It is expected to disrupt RNA splicing. Variants that disrupt the donor or acceptor splice site typically lead to a loss of protein function (PMID: 16199547), however the current clinical and genetic evidence is not sufficient to establish whether loss-of-function variants in RYR2 cause disease. This variant is not present in population databases (gnomAD no frequency). This variant has not been reported in the literature in individuals affected with RYR2-related conditions. Algorithms developed to predict the effect of sequence changes on RNA splicing suggest that this variant may disrupt the consensus splice site. In summary, the available evidence is currently insufficient to determine the role of this variant in disease. Therefore, it has been classified as a Variant of Uncertain Significance.

Literature cited by the submitters: PubMed 16199547.

NM_001035.3(RYR2):c.4275+1G>T

Gene: RYR2 (ryanodine receptor 2; plus strand). Cytogenetic location: 1q43.
Variant type: single nucleotide variant.
Coding change: c.4275+1G>T on transcript NM_001035.3 (MANE Select); the canonical splice donor site of the intron after coding-DNA position 4275, G replaced by T.
Molecular consequence: splice donor variant.
Genome position (GRCh38, 1-based): chr1:237,591,854, G>T. VCF-style: chr1-237591854-G-T. GRCh37 (hg19) VCF-style: chr1-237755154-G-T.
Identifiers: ClinVar variation 4732969 (VCV004732969.1).